The following is an entry in ClinVar:

NC_000012.12:g.(?_32850756)_(32850983_?)del

Gene: PKP2 (plakophilin 2; minus strand). Cytogenetic location: 12p11.21.
Variant type: Deletion.
Identifiers: ClinVar variation 649072 (VCV000649072.1).

ClinVar aggregate classification (germline): Pathogenic (1 of 4 stars; one submission).

Conditions:
Arrhythmogenic right ventricular dysplasia 9 (ARVD9). Also called: Arrhythmogenic Right Ventricular Dysplasia/Cardiomyopathy 9; ARRHYTHMOGENIC RIGHT VENTRICULAR DYSPLASIA, FAMILIAL, 9. Identifiers: MedGen C1836906, MONDO:0012180, OMIM 609040.

Submission:

Labcorp Genetics (formerly Invitae), Labcorp
Classification: Pathogenic for Arrhythmogenic right ventricular cardiomyopathy, type 9. Last evaluated: 2018-12-30. Review status: criteria provided, single submitter. Criteria: Invitae Variant Classification Sherloc (09022015). Collection method: clinical testing. Allele origin: germline.
Comment: This variant is a gross deletion of the genomic region encompassing exon 5 of the PKP2 gene. This creates a premature translational stop signal and is expected to result in an absent or disrupted protein product. While this particular variant has not been reported in the literature, loss-of-function variants in PKP2 are known to be pathogenic (PMID: 15489853). For these reasons, this variant has been classified as Pathogenic.

Literature cited by the submitters: PubMed 15489853.